The following is an entry in ClinVar:

ClinVar aggregate classification (germline): Uncertain significance (1 of 4 stars; one submission).

Allele frequency attached by ClinVar (database versions not stated): gnomAD exomes below 0.00001; gnomAD 0.00001; ExAC 0.00003; 1000 Genomes Project 30x 0.00016; 1000 Genomes Project 0.00020.
gnomAD v4.1: 2 of 1,564,986 alleles (0.00013%); highest among the groups gnomAD compares: East Asian, 0.0046%; no homozygotes.

Submission:

Labcorp Genetics (formerly Invitae), Labcorp
Classification: Uncertain significance. Last evaluated: 2022-08-09. Review status: criteria provided, single submitter. Criteria: Invitae Variant Classification Sherloc (09022015). Collection method: clinical testing. Allele origin: germline.
Comment: In summary, the available evidence is currently insufficient to determine the role of this variant in disease. Therefore, it has been classified as a Variant of Uncertain Significance. Algorithms developed to predict the effect of missense changes on protein structure and function are either unavailable or do not agree on the potential impact of this missense change (SIFT: "Deleterious"; PolyPhen-2: "Benign"; Align-GVGD: "Class C0"). This variant has not been reported in the literature in individuals affected with TOP2B-related conditions. The frequency data for this variant in the population databases is considered unreliable, as metrics indicate poor data quality at this position in the gnomAD database. This sequence change replaces glutamic acid, which is acidic and polar, with glutamine, which is neutral and polar, at codon 171 of the TOP2B protein (p.Glu171Gln).

NM_001330700.2(TOP2B):c.526G>C (p.Glu176Gln)

Gene: TOP2B (DNA topoisomerase II beta; minus strand). Cytogenetic location: 3p24.2.
Variant type: single nucleotide variant.
Coding change: c.526G>C on transcript NM_001330700.2 (MANE Select); coding-DNA position 526, G replaced by C.
Protein change: p.Glu176Gln; replaces glutamic acid 176 with glutamine.
Molecular consequence: missense variant.
Genome position (GRCh38, 1-based): chr3:25,638,180, C>G on the plus strand (G>C on the coding strand, the complement: TOP2B is on the minus strand). VCF-style: chr3-25638180-C-G. GRCh37 (hg19) VCF-style: chr3-25679671-C-G.
Other names: c.511G>C, p.Glu171Gln (NM_001068.3); short protein forms E176Q, E171Q.
Identifiers: ClinVar variation 2101081 (VCV002101081.4), dbSNP rs540231638, ClinGen allele CA2288881.